The following is an entry in ClinVar:

ClinVar aggregate classification (germline): Uncertain significance. Review status: criteria provided, multiple submitters, no conflicts (2 of 4 stars). 2 submissions from 2 submitters: Uncertain significance (2). Last evaluated 2023-04-04.

Allele frequency attached by ClinVar (database versions not stated): TOPMed 0.00003.
gnomAD v4.1: 44 of 1,612,820 alleles (0.0027%); highest among the groups gnomAD compares: South Asian, 0.024%; no homozygotes.

Submissions (2):

Blueprint Genetics
Classification: Uncertain significance. Last evaluated: 2023-04-04. Review status: criteria provided, single submitter. Criteria: ACMG Guidelines, 2015. Collection method: clinical testing. Allele origin: germline.

Labcorp Genetics (formerly Invitae), Labcorp
Classification: Uncertain significance. Last evaluated: 2022-09-16. Review status: criteria provided, single submitter. Criteria: Invitae Variant Classification Sherloc (09022015). Collection method: clinical testing. Allele origin: germline.
Comment: Advanced modeling of protein sequence and biophysical properties (such as structural, functional, and spatial information, amino acid conservation, physicochemical variation, residue mobility, and thermodynamic stability) performed at Invitae indicates that this missense variant is not expected to disrupt CNGB1 protein function. In summary, the available evidence is currently insufficient to determine the role of this variant in disease. Therefore, it has been classified as a Variant of Uncertain Significance. ClinVar contains an entry for this variant (Variation ID: 854250). This variant has not been reported in the literature in individuals affected with CNGB1-related conditions. This variant is present in population databases (rs374424738, gnomAD 0.02%). This sequence change replaces alanine, which is neutral and non-polar, with valine, which is neutral and non-polar, at codon 553 of the CNGB1 protein (p.Ala553Val).

NM_001297.5(CNGB1):c.1658C>T (p.Ala553Val)

Gene: CNGB1 (cyclic nucleotide gated channel subunit beta 1; minus strand). Cytogenetic location: 16q21.
Variant type: single nucleotide variant.
Coding change: c.1658C>T on transcript NM_001297.5 (MANE Select); coding-DNA position 1658, C replaced by T.
Protein change: p.Ala553Val; replaces alanine 553 with valine.
Molecular consequence: missense variant.
Genome position (GRCh38, 1-based): chr16:57,920,530, G>A on the plus strand (C>T on the coding strand, the complement: CNGB1 is on the minus strand). VCF-style: chr16-57920530-G-A. GRCh37 (hg19) VCF-style: chr16-57954434-G-A.
Other names: c.1640C>T, p.Ala547Val (NM_001286130.2); short protein forms A547V, A553V.
Identifiers: ClinVar variation 854250 (VCV000854250.8), dbSNP rs374424738, ClinGen allele CA8083336.
Genomic context (GRCh38, chr16:57,920,530, plus strand): 5'-TTCACCAGCTCCTGGAGCCGGTCGTTGATGATGGCGCTATTTGTGCTGGCCGTGGAGGCC[G>A]CACGGTCCTGGCCACTGTGGGAACATCACCCAAAGCTGAGCAGGCTGAGCCGGGAGGGAC-3'
Protein context (NP_001288.3, residues 543-563): TPKDTDGQDR[Ala553Val]ASTASTNSAI